The following is an entry in ClinVar:

NM_001009999.3(KDM1A):c.787A>G (p.Asn263Asp)

Gene: KDM1A (lysine demethylase 1A; plus strand). Cytogenetic location: 1p36.12.
Variant type: single nucleotide variant.
Coding change: c.787A>G on transcript NM_001009999.3 (MANE Select); coding-DNA position 787, A replaced by G.
Protein change: p.Asn263Asp; replaces asparagine 263 with aspartic acid.
Molecular consequence: missense variant.
Genome position (GRCh38, 1-based): chr1:23,053,836, A>G. VCF-style: chr1-23053836-A-G. GRCh37 (hg19) VCF-style: chr1-23380329-A-G.
Other names: c.727A>G, p.Asn243Asp (NM_001363654.2, NM_001410763.1, NM_015013.4); c.787A>G, p.Asn263Asp (NM_001410762.1); short protein forms N243D, N263D.
Identifiers: ClinVar variation 3532991 (VCV003532991.1).

ClinVar aggregate classification (germline): Uncertain significance (1 of 4 stars; one submission).

Conditions:
Inborn genetic diseases. Identifiers: MedGen C0950123, MeSH D030342.

Submission:

Ambry Genetics
Classification: Uncertain significance for Inborn genetic diseases. Last evaluated: 2024-12-10. Review status: criteria provided, single submitter. Criteria: Ambry Variant Classification Scheme 2023. Collection method: clinical testing. Allele origin: germline.
Comment: The p.N263D variant (also known as c.787A>G), located in coding exon 5 of the KDM1A gene, results from an A to G substitution at nucleotide position 787. The asparagine at codon 263 is replaced by aspartic acid, an amino acid with highly similar properties. This amino acid position is conserved. In addition, this alteration is predicted to be tolerated by in silico analysis. Based on the available evidence, the clinical significance of this variant remains unclear.